The following is an entry in ClinVar:

NM_000152.5(GAA):c.1332T>C (p.Pro444=)

Gene: GAA (alpha glucosidase; plus strand). Cytogenetic location: 17q25.3.
Variant type: single nucleotide variant.
Coding change: c.1332T>C on transcript NM_000152.5 (MANE Select); coding-DNA position 1332, T replaced by C.
Protein change: p.Pro444=; no amino-acid change (proline 444 retained).
Molecular consequence: synonymous variant.
Genome position (GRCh38, 1-based): chr17:80,109,950, T>C. VCF-style: chr17-80109950-T-C. GRCh37 (hg19) VCF-style: chr17-78083749-T-C.
Other names: c.1332T>C (LRG_673t1, NM_000152.4); c.1332T>C, p.Pro444= (NM_001079803.3, NM_001079804.3).
Identifiers: ClinVar variation 286018 (VCV000286018.45), dbSNP rs200007324, ClinGen allele CA8815288.

ClinVar aggregate classification (germline): Likely benign. Review status: reviewed by expert panel (3 of 4 stars). 9 submissions from 9 submitters: Likely benign (1). 8 of the submissions do not count toward it. Last evaluated 2023-03-13.

Conditions:
GAA-related disorder. Also called: GAA-related condition.
Cardiovascular phenotype. Identifiers: MedGen CN230736.
Glycogen storage disease, type II (IOPD). Also called: Acid maltase deficiency disease; Aglucosidase alfa; Deficiency of alpha-glucosidase; Deficiency of lysosomal alpha-glucosidase; POMPE DISEASE, INFANTILE-ONSET; GLYCOGEN STORAGE DISEASE II, INFANTILE-ONSET. Identifiers: Orphanet 365, MedGen C0017921, MONDO:0009290, OMIM 232300.

Allele frequency attached by ClinVar (database versions not stated): gnomAD 0.00015 and 0.00036; gnomAD exomes 0.00039 and 0.00073; TOPMed 0.00043; ExAC 0.00081; 1000 Genomes Project 30x 0.00156; 1000 Genomes Project 0.00180.
gnomAD v4.1: 619 of 1,613,036 alleles (0.038%); highest among the groups gnomAD compares: East Asian, 1.1%; 2 homozygotes.

Submissions (9):

ClinGen Lysosomal Storage Disorder Variant Curation Expert Panel
Classification: Likely benign for Glycogen storage disease, type II. Last evaluated: 2023-03-13. Review status: reviewed by expert panel. Criteria: clingen_lsd_acmg_specifications_v2-1. Collection method: curation. Allele origin: germline. Inheritance: Autosomal recessive inheritance.
Comment: The NM_000152.5:c.1332T>C (p.Pro444=) variant in GAA is a synonymous (silent) variant that is not predicted to impact splicing; the nucleotide is not highly conserved (PhyloP 100 way score is -2.4 (BP4, BP7). There is a ClinVar entry for this variant (Variation ID: 286018). In summary, this variant meets the criteria to be classified as likely benign for Pompe disease. GAA-specific ACMG/AMP criteria applied, as specified by the ClinGen Lysosomal Diseases VCEP (Specifications Version 2.0): BS1, BP4, BP7. (Classification approved by the ClinGen Lysosomal Diseases VCEP, March 13, 2023).

PreventionGenetics, part of Exact Sciences
Classification: Likely benign for GAA-related condition. Last evaluated: 2026-06-18. Review status: criteria provided, single submitter. Criteria: ACMG Guidelines, 2015. Collection method: clinical testing. Allele origin: germline. Not counted in ClinVar's aggregate classification.
Comment: This variant is classified as likely benign based on ACMG/AMP sequence variant interpretation guidelines (Richards et al. 2015 PMID: 25741868, with internal and published modifications).

Labcorp Genetics (formerly Invitae), Labcorp
Classification: Benign for Glycogen storage disease, type II. Last evaluated: 2026-01-26. Review status: criteria provided, single submitter. Criteria: Invitae Variant Classification Sherloc (09022015). Collection method: clinical testing. Allele origin: germline. Not counted in ClinVar's aggregate classification.

Blueprint Genetics
Classification: Likely benign. Last evaluated: 2024-10-08. Review status: criteria provided, single submitter. Criteria: ACMG Guidelines, 2015. Collection method: clinical testing. Allele origin: germline. Not counted in ClinVar's aggregate classification.

CeGaT Center for Human Genetics Tuebingen
Classification: Likely benign. Last evaluated: 2024-10-01. Review status: criteria provided, single submitter. Criteria: CeGaT Center For Human Genetics Tuebingen Variant Classification Criteria Version 2. Collection method: clinical testing. Allele origin: germline. Affected: yes. Observed: 1 variant allele. Not counted in ClinVar's aggregate classification.
Comment: GAA: BP4, BP7, BS1

Ambry Genetics
Classification: Likely benign for Cardiovascular phenotype. Last evaluated: 2022-02-16. Review status: criteria provided, single submitter. Criteria: Ambry Variant Classification Scheme 2023. Collection method: clinical testing. Allele origin: germline. Not counted in ClinVar's aggregate classification.

GeneDx
Classification: Likely benign. Last evaluated: 2019-02-15. Review status: criteria provided, single submitter. Criteria: GeneDx Variant Classification Process June 2021. Collection method: clinical testing. Allele origin: germline. Affected: yes. Not counted in ClinVar's aggregate classification.

Illumina Laboratory Services, Illumina
Classification: Uncertain significance for Glycogen storage disease, type II. Last evaluated: 2017-04-27. Review status: criteria provided, single submitter. Criteria: ICSL Variant Classification Criteria 13 December 2019. Collection method: clinical testing. Allele origin: germline. Not counted in ClinVar's aggregate classification.

Eurofins Ntd Llc (ga)
Classification: Benign. Last evaluated: 2016-02-02. Review status: criteria provided, single submitter. Criteria: EGL Classification Definitions 2015. Collection method: clinical testing. Allele origin: germline. Observed: 1 variant allele, 1 heterozygote. Not counted in ClinVar's aggregate classification.